The following is an entry in ClinVar:

ClinVar aggregate classification (germline): Uncertain significance (1 of 4 stars; one submission).

Conditions:
Hereditary cancer-predisposing syndrome. Also called: Neoplastic Syndromes, Hereditary; Hereditary Cancer Syndrome; Hereditary neoplastic syndrome; Tumor predisposition. Identifiers: Orphanet 140162, MedGen C0027672, MeSH D009386, MONDO:0015356.

Submission:

Ambry Genetics
Classification: Uncertain significance for Hereditary cancer-predisposing syndrome. Last evaluated: 2023-04-18. Review status: criteria provided, single submitter. Criteria: Ambry Variant Classification Scheme 2023. Collection method: clinical testing. Allele origin: germline.
Comment: The p.S660R variant (also known as c.1978A>C), located in coding exon 18 of the TSC2 gene, results from an A to C substitution at nucleotide position 1978. The serine at codon 660 is replaced by arginine, an amino acid with dissimilar properties. This amino acid position is conserved. In addition, the in silico prediction for this alteration is inconclusive. Since supporting evidence is limited at this time, the clinical significance of this alteration remains unclear.

NM_000548.5(TSC2):c.1978A>C (p.Ser660Arg)

Gene: TSC2 (TSC complex subunit 2; plus strand). Cytogenetic location: 16p13.3.
Variant type: single nucleotide variant.
Coding change: c.1978A>C on transcript NM_000548.5 (MANE Select); coding-DNA position 1978, A replaced by C.
Protein change: p.Ser660Arg; replaces serine 660 with arginine.
Molecular consequence: missense variant. On other transcripts: non-coding transcript variant (5).
Genome position (GRCh38, 1-based): chr16:2,071,815, A>C. VCF-style: chr16-2071815-A-C. GRCh37 (hg19) VCF-style: chr16-2121816-A-C.
Other names: c.634A>C, p.Ser212Arg (NM_001406690.1, NM_001406691.1, NM_001406692.1 and 6 more transcripts); c.376A>C, p.Ser126Arg (NM_001406698.1); c.1978A>C, p.Ser660Arg (NM_021055.3, NM_001077183.3, NM_001114382.3 and 6 more transcripts); c.1867A>C, p.Ser623Arg (NM_001318827.2, NM_001406670.1, NM_001406678.1); c.1831A>C, p.Ser611Arg (NM_001318829.2, NM_001406675.1, NM_001406676.1 and 1 more transcripts); c.1378A>C, p.Ser460Arg (NM_001318831.2, NM_001406680.1, NM_001406682.1 and 6 more transcripts); c.2011A>C, p.Ser671Arg (NM_001318832.2); c.2068A>C, p.Ser690Arg (NM_001406667.1, NM_001406668.1); and 3 more; short protein forms S460R, S623R, S641R, S656R, S660R, S506R, S690R, S212R.
Identifiers: ClinVar variation 2564679 (VCV002564679.2), dbSNP rs200923172, ClinGen allele CA394274362.